The following is an entry in ClinVar:

NM_001080442.3(SLC38A8):c.388+1G>A

Gene: SLC38A8 (solute carrier family 38 member 8; minus strand). Cytogenetic location: 16q23.3.
Variant type: single nucleotide variant.
Coding change: c.388+1G>A on transcript NM_001080442.3 (MANE Select); the canonical splice donor site of the intron after coding-DNA position 388, G replaced by A.
Molecular consequence: splice donor variant.
Genome position (GRCh38, 1-based): chr16:84,036,701, C>T on the plus strand (G>A on the coding strand, the complement: SLC38A8 is on the minus strand). VCF-style: chr16-84036701-C-T. GRCh37 (hg19) VCF-style: chr16-84070306-C-T.
Identifiers: ClinVar variation 2899943 (VCV002899943.5), dbSNP rs149436446, ClinGen allele CA8200349.

ClinVar aggregate classification (germline): Likely pathogenic. Review status: criteria provided, multiple submitters, no conflicts (2 of 4 stars). 2 submissions from 2 submitters: Likely pathogenic (2). Last evaluated 2024-01-09.

Conditions:
Foveal hypoplasia - optic nerve decussation defect - anterior segment dysgenesis syndrome. Also called: FOVEAL HYPOPLASIA 2 WITH OR WITHOUT OPTIC NERVE MISROUTING AND/OR ANTERIOR SEGMENT DYSGENESIS; FOVEAL HYPOPLASIA 2 WITH OR WITHOUT MICROPHTHALMIA OR COLOBOMA; FOVEAL HYPOPLASIA 2 WITH OPTIC NERVE DECUSSATION DEFECTS AND ANTERIOR SEGMENT DYSGENESIS WITHOUT ALBINISM; Foveal hypoplasia 2. Identifiers: Orphanet 397618, MedGen C3807873, MONDO:0012216, OMIM 609218.

Allele frequency attached by ClinVar (database versions not stated): gnomAD 0.00004; TOPMed 0.00004; ESP Exome Variant Server 0.00008.
gnomAD v4.1: 33 of 1,613,982 alleles (0.002%); highest among the groups gnomAD compares: African/African-American, 0.0053%; no homozygotes.

Submissions (2):

Labcorp Genetics (formerly Invitae), Labcorp
Classification: Likely pathogenic. Last evaluated: 2024-01-09. Review status: criteria provided, single submitter. Criteria: Invitae Variant Classification Sherloc (09022015). Collection method: clinical testing. Allele origin: germline.
Comment: This sequence change affects a donor splice site in intron 2 of the SLC38A8 gene. It is expected to disrupt RNA splicing. Variants that disrupt the donor or acceptor splice site typically lead to a loss of protein function (PMID: 16199547), and loss-of-function variants in SLC38A8 are known to be pathogenic (PMID: 24290379). This variant is present in population databases (rs149436446, gnomAD 0.007%). This variant has not been reported in the literature in individuals affected with SLC38A8-related conditions. Algorithms developed to predict the effect of sequence changes on RNA splicing suggest that this variant may disrupt the consensus splice site. In summary, the currently available evidence indicates that the variant is pathogenic, but additional data are needed to prove that conclusively. Therefore, this variant has been classified as Likely Pathogenic.

Juno Genomics, Hangzhou Juno Genomics, Inc
Classification: Likely pathogenic for Foveal hypoplasia - optic nerve decussation defect - anterior segment dysgenesis syndrome. Review status: criteria provided, single submitter. Criteria: ACMG Guidelines, 2015. Collection method: clinical testing. Allele origin: germline.
Comment: Null variant in a gene where loss of function (LOF) is a known mechanism of disease.;Absent from controls (or at extremely low frequency if recessive) in Genome Aggregation Database.

Literature cited by the submitters: PubMed 16199547 (cited by Labcorp Genetics (formerly Invitae), Labcorp); PubMed 24290379 (cited by Labcorp Genetics (formerly Invitae), Labcorp).